The following is an entry in ClinVar:

NM_000271.5(NPC1):c.3561G>T (p.Ala1187=)

Gene: NPC1 (NPC intracellular cholesterol transporter 1; minus strand). Cytogenetic location: 18q11.2.
Variant type: single nucleotide variant.
Coding change: c.3561G>T on transcript NM_000271.5 (MANE Select); coding-DNA position 3561, G replaced by T.
Protein change: p.Ala1187=; no amino-acid change (alanine 1187 retained).
Molecular consequence: synonymous variant.
Genome position (GRCh38, 1-based): chr18:23,534,476, C>A on the plus strand (G>T on the coding strand, the complement: NPC1 is on the minus strand). VCF-style: chr18-23534476-C-A. GRCh37 (hg19) VCF-style: chr18-21114440-C-A.
Identifiers: ClinVar variation 211683 (VCV000211683.69), dbSNP rs55724504, ClinGen allele CA206003.

ClinVar aggregate classification (germline): Conflicting classifications of pathogenicity. Review status: criteria provided, conflicting classifications (1 of 4 stars). 12 submissions from 12 submitters: Uncertain significance (2); Benign (1); Likely benign (4). 5 of the submissions do not count toward it. Last evaluated 2026-09-01.

Conditions:
NPC1-related disorder. Also called: NPC1-related condition.
Inborn genetic diseases. Identifiers: MedGen C0950123, MeSH D030342.
Niemann-Pick disease, type C1. Also called: NIEMANN-PICK DISEASE, VARIANT TYPE C1; NEUROVISCERAL STORAGE DISEASE WITH VERTICAL SUPRANUCLEAR OPHTHALMOPLEGIA; NIEMANN-PICK DISEASE WITH CHOLESTEROL ESTERIFICATION BLOCK; NIEMANN-PICK DISEASE WITHOUT SPHINGOMYELINASE DEFICIENCY; NIEMANN-PICK DISEASE, CHRONIC NEURONOPATHIC FORM. Identifiers: Orphanet 646, MedGen C3179455, MONDO:0009757, OMIM 257220.

Allele frequency attached by ClinVar (database versions not stated): 1000 Genomes Project 30x 0.00219; 1000 Genomes Project 0.00220; ESP Exome Variant Server 0.00261.
gnomAD v4.1: 3,599 of 1,613,866 alleles (0.22%); highest among the groups gnomAD compares: Middle Eastern, 0.97%; 6 homozygotes.

Submissions (12):

CeGaT Center for Human Genetics Tuebingen
Classification: Likely benign. Last evaluated: 2026-09-01. Review status: criteria provided, single submitter. Criteria: CeGaT Center For Human Genetics Tuebingen Variant Classification Criteria Version 2. Collection method: clinical testing. Allele origin: germline. Affected: yes. Observed: 15 variant alleles.
Comment: NPC1: BP4, BP7

Labcorp Genetics (formerly Invitae), Labcorp
Classification: Benign for Niemann-Pick disease, type C1. Last evaluated: 2026-01-28. Review status: criteria provided, single submitter. Criteria: Invitae Variant Classification Sherloc (09022015). Collection method: clinical testing. Allele origin: germline.

Ambry Genetics
Classification: Likely benign for Inborn genetic diseases. Last evaluated: 2022-03-03. Review status: criteria provided, single submitter. Criteria: Ambry Variant Classification Scheme 2023. Collection method: clinical testing. Allele origin: germline.

Clinical Genetics DNA and cytogenetics Diagnostics Lab, Erasmus MC, Erasmus Medical Center
Classification: Likely benign for Niemann-Pick disease, type C1. Last evaluated: 2017-06-28. Review status: criteria provided, single submitter. Criteria: ACGS Guidelines, 2013. Collection method: clinical testing. Allele origin: germline. Affected: yes. Study: VKGL Data-share Consensus.

Illumina Laboratory Services, Illumina
Classification: Uncertain significance for Niemann-Pick disease type C1. Last evaluated: 2017-04-27. Review status: criteria provided, single submitter. Criteria: ICSL Variant Classification Criteria 13 December 2019. Collection method: clinical testing. Allele origin: germline.
Comment: This variant was observed as part of a predisposition screen in an ostensibly healthy population. A literature search was performed for the gene, cDNA change, and amino acid change (where applicable). Publications were found based on this search. However, the evidence from the literature, in combination with allele frequency data from public databases where available, was not sufficient to rule this variant in or out of causing disease. Therefore, this variant is classified as a variant of unknown significance.

Eurofins Ntd Llc (ga)
Classification: Likely benign. Last evaluated: 2016-09-27. Review status: criteria provided, single submitter. Criteria: EGL Classification Definitions 2015. Collection method: clinical testing. Allele origin: germline. Observed: 2 variant alleles, 2 heterozygotes.

Genetic Services Laboratory, University of Chicago
Classification: Uncertain significance. Last evaluated: 2014-06-27. Review status: criteria provided, single submitter. Criteria: ACMG Guidelines, 2015. Collection method: clinical testing. Allele origin: germline.

PreventionGenetics, part of Exact Sciences
Classification: Benign for NPC1-related condition. Last evaluated: 2021-02-01. Review status: no assertion criteria provided. Collection method: clinical testing. Allele origin: germline. Not counted in ClinVar's aggregate classification.
Comment: This variant is classified as benign based on ACMG/AMP sequence variant interpretation guidelines (Richards et al. 2015 PMID: 25741868, with internal and published modifications).

Natera, Inc.
Classification: Benign for Niemann-Pick disease type C1. Last evaluated: 2020-01-16. Review status: no assertion criteria provided. Collection method: clinical testing. Allele origin: germline. Not counted in ClinVar's aggregate classification.

Mayo Clinic Laboratories, Mayo Clinic
Classification: Likely benign. Last evaluated: 2017-11-13. Review status: no assertion criteria provided. Collection method: clinical testing. Allele origin: unknown. Not counted in ClinVar's aggregate classification.

Genome Diagnostics Laboratory, Amsterdam University Medical Center
Classification: Likely benign for Niemann-Pick disease, type C1. Last evaluated: 2016-04-22. Review status: no assertion criteria provided. Criteria: ACGS Guidelines, 2013. Collection method: clinical testing. Allele origin: germline. Affected: yes. Study: VKGL Data-share Consensus. Not counted in ClinVar's aggregate classification.

Clinical Genetics, Academic Medical Center
Classification: Benign. Review status: no assertion criteria provided. Collection method: clinical testing. Allele origin: germline. Affected: yes. Study: VKGL Data-share Consensus. Not counted in ClinVar's aggregate classification.

Literature cited by the submitters: PubMed 16098014 (cited by Illumina Laboratory Services, Illumina); PubMed 16126423 (cited by Illumina Laboratory Services, Illumina).